The following is an entry in ClinVar:

ClinVar aggregate classification (germline): Uncertain significance. Review status: criteria provided, multiple submitters, no conflicts (2 of 4 stars). 9 submissions from 9 submitters: Uncertain significance (7). 2 of the submissions do not count toward it. Last evaluated 2026-01-16.

Conditions:
Ataxia-telangiectasia syndrome (AT). Also called: Ataxia-telangiectasia, complementation group D; Cerebello-oculocutaneous telangiectasia; Immunodeficiency with ataxia telangiectasia; ATAXIA-TELANGIECTASIA, COMPLEMENTATION GROUP A; ATAXIA-TELANGIECTASIA, FRESNO VARIANT; LOUIS-BAR SYNDROME. Identifiers: Orphanet 100, MedGen C0004135, MONDO:0008840, OMIM 208900.
Familial cancer of breast. Also called: hereditary breast carcinoma; Hereditary breast cancer; BREAST CANCER, FAMILIAL. Identifiers: Orphanet 227535, MedGen C0346153, MONDO:0016419, OMIM 114480. Disease mechanism: loss of function.
Hereditary cancer-predisposing syndrome. Also called: Hereditary neoplastic syndrome; Hereditary Cancer Syndrome; Neoplastic Syndromes, Hereditary; Tumor predisposition. Identifiers: Orphanet 140162, MedGen C0027672, MeSH D009386, MONDO:0015356.
Familial ovarian cancer. Identifiers: MedGen C5679802, MONDO:0016248.

Allele frequency attached by ClinVar (database versions not stated): gnomAD 0.00001; gnomAD exomes 0.00001; TOPMed 0.00001.
gnomAD v4.1: 10 of 1,613,792 alleles (0.00062%); highest among the groups gnomAD compares: Non-Finnish European, 0.00042%; no homozygotes.

Submissions (9):

Labcorp Genetics (formerly Invitae), Labcorp
Classification: Uncertain significance for Ataxia-telangiectasia syndrome. Last evaluated: 2026-01-16. Review status: criteria provided, single submitter. Criteria: Invitae Variant Classification Sherloc (09022015). Collection method: clinical testing. Allele origin: germline.
Comment: This sequence change replaces isoleucine, which is neutral and non-polar, with valine, which is neutral and non-polar, at codon 576 of the ATM protein (p.Ile576Val). This variant is present in population databases (no rsID available, gnomAD 0.03%). This variant has not been reported in the literature in individuals affected with ATM-related conditions. ClinVar contains an entry for this variant (Variation ID: 421483). Invitae Evidence Modeling of protein sequence and biophysical properties (such as structural, functional, and spatial information, amino acid conservation, physicochemical variation, residue mobility, and thermodynamic stability) indicates that this missense variant is not expected to disrupt ATM protein function with a negative predictive value of 95%. In summary, the available evidence is currently insufficient to determine the role of this variant in disease. Therefore, it has been classified as a Variant of Uncertain Significance.

Ambry Genetics
Classification: Uncertain significance for Hereditary cancer-predisposing syndrome. Last evaluated: 2025-10-20. Review status: criteria provided, single submitter. Criteria: Ambry Variant Classification Scheme 2023. Collection method: clinical testing. Allele origin: germline.
Comment: The p.I576V variant (also known as c.1726A>G), located in coding exon 10 of the ATM gene, results from an A to G substitution at nucleotide position 1726. The isoleucine at codon 576 is replaced by valine, an amino acid with highly similar properties. This amino acid position is highly conserved in available vertebrate species. In addition, this alteration is predicted to be tolerated by in silico analysis. Based on the available evidence, the clinical significance of this variant remains unclear.

GeneDx
Classification: Uncertain significance. Last evaluated: 2025-04-25. Review status: criteria provided, single submitter. Criteria: GeneDx Variant Classification Process June 2021. Collection method: clinical testing. Allele origin: germline. Affected: yes.
Comment: In silico analysis indicates that this missense variant does not alter protein structure/function; This variant is associated with the following publications: (PMID: 28281318, 32885271, 33471991)

Fulgent Genetics
Classification: Uncertain significance for Familial cancer of breast; Ataxia-telangiectasia syndrome. Last evaluated: 2024-03-14. Review status: criteria provided, single submitter. Criteria: ACMG Guidelines, 2015. Collection method: clinical testing. Allele origin: germline.

Color Diagnostics, LLC DBA Color Health
Classification: Uncertain significance for Hereditary cancer-predisposing syndrome. Last evaluated: 2023-06-13. Review status: criteria provided, single submitter. Criteria: ACMG Guidelines, 2015. Collection method: clinical testing. Allele origin: germline.
Comment: This missense variant replaces isoleucine with valine at codon 576 of the ATM protein. Computational prediction suggests that this variant may not impact protein structure and function (internally defined REVEL score threshold <= 0.5, PMID: 27666373). To our knowledge, functional studies have not been reported for this variant. This variant has been reported in an individual affected with adrenal neuroblastoma (PMID: 28281318). In an international breast cancer case-control meta-analysis, this variant has been detected in 1/60466 cases and absent in 53461 controls (PMID: 33471991). This variant has been identified in 3/251152 chromosomes in the general population by the Genome Aggregation Database (gnomAD). The available evidence is insufficient to determine the role of this variant in disease conclusively. Therefore, this variant is classified as a Variant of Uncertain Significance.

Sema4
Classification: Uncertain significance for Hereditary cancer-predisposing syndrome. Last evaluated: 2021-06-03. Review status: criteria provided, single submitter. Criteria: Sema4 Curation Guidelines. Collection method: curation. Allele origin: germline.
Comment: The ATM c.1726A>G (p.I576V) variant has been reported in at least one individual with breast cancer (PMID: 33471991), and in a pediatric patient with an intracranial myxoid mesenchymal neoplasm (PMID: 28281318). It was observed in 3/10076 chromosomes of the Ashkenazi Jewish subpopulation in the large and broad cohorts of the Genome Aggregation Database (PMID: 32461654). The variant has been reported in ClinVar (Variation ID 421483). In silico tools suggest the impact of the variant on protein function is inconclusive, though these predictions have not been confirmed by functional studies. The evidence is insufficient to meet ACMG/AMP criteria for classifying the variant as benign or pathogenic. Thus, the clinical significance of this variant is currently uncertain.

ARUP Laboratories, Molecular Genetics and Genomics, ARUP Laboratories
Classification: Uncertain significance. Last evaluated: 2019-09-04. Review status: criteria provided, single submitter. Criteria: ARUP Molecular Germline Variant Investigation Process. Collection method: clinical testing. Allele origin: germline.
Comment: The ATM c.1726A>G; p.Ile576Val variant (rs1064795170) has been found in intracranial myxoid mesenchymal tumor tissue in a patient who had a history of adrenal neuroblastoma (Bale 2018). This variant is also reported in ClinVar (Variation ID: 421483). It is found in the general population with a low overall allele frequency of 0.001% (3/251152 alleles) in the Genome Aggregation Database. The isoleucine is moderately conserved, but computational analyses (SIFT: Damaging, PolyPhen-2: Benign) predict conflicting effects of this variant on protein structure/function. Due to limited information, the clinical significance of this variant is uncertain at this time. REFERENCES Bale TA et al. Intracranial myxoid mesenchymal tumors with EWSR1-CREB family gene fusions: myxoid variant of angiomatoid fibrous histiocytoma or novel entity? Brain Pathol. 2018 Mar;28(2):183-191.

Natera, Inc.
Classification: Uncertain significance for Ataxia-telangiectasia. Last evaluated: 2020-03-26. Review status: no assertion criteria provided. Collection method: clinical testing. Allele origin: germline. Not counted in ClinVar's aggregate classification.

Department of Pathology and Laboratory Medicine, Sinai Health System
Classification: Uncertain significance for Familial ovarian cancer. Review status: no assertion criteria provided. Collection method: clinical testing. Allele origin: unknown. Affected: yes. Study: The Canadian Open Genetics Repository (COGR). Not counted in ClinVar's aggregate classification.
Comment: The ATM p.Ile576Val variant was not identified in the literature nor was it identified in the LOVD 3.0 database. The variant was identified in dbSNP (rs1064795170) as â€šÃ„Ãºwith other alleleâ€šÃ„Ã¹ and ClinVar (interpreted as "uncertain significance" by Invitae, GeneDx and Color). The variant was identified in control databases in 3 of 245,976 chromosomes at a frequency of 0.00001 (Genome Aggregation Database Feb 27, 2017). The variant was observed in the Ashkenazi Jewish population in 3 of 9846 chromosomes (freq: 0.0003), but not in the African, Other, Latino, European, East Asian, Finnish, and South Asian populations. The p.Ile576 residue is conserved in mammals and computational analyses (PolyPhen-2, SIFT, AlignGVGD, BLOSUM, MutationTaster) provide inconsistent predictions regarding the impact to the protein; this information is not very predictive of pathogenicity. The variant occurs outside of the splicing consensus sequence and 2 of 4 in silico or computational prediction software programs (SpliceSiteFinder, MaxEntScan, NNSPLICE, GeneSplicer) predict a greater than 10% difference in splicing; this is not very predictive of pathogenicity. In summary, based on the above information the clinical significance of this variant cannot be determined with certainty at this time. This variant is classified as a variant of uncertain significance.

Literature cited by the submitters: PubMed 28281318 (cited by Color Diagnostics, LLC DBA Color Health and Sema4); PubMed 33471991 (cited by Color Diagnostics, LLC DBA Color Health and Sema4).

NM_000051.4(ATM):c.1726A>G (p.Ile576Val)

Gene: ATM (ATM serine/threonine kinase; plus strand). Cytogenetic location: 11q22.3.
Variant type: single nucleotide variant.
Coding change: c.1726A>G on transcript NM_000051.4 (MANE Select); coding-DNA position 1726, A replaced by G.
Protein change: p.Ile576Val; replaces isoleucine 576 with valine.
Molecular consequence: missense variant.
Genome position (GRCh38, 1-based): chr11:108,251,955, A>G. VCF-style: chr11-108251955-A-G. GRCh37 (hg19) VCF-style: chr11-108122682-A-G.
Other names: c.1726A>G, p.Ile576Val (NM_001351834.2); short protein forms I576V.
Identifiers: ClinVar variation 421483 (VCV000421483.41), dbSNP rs1064795170, ClinGen allele CA16619124.